The following is an entry in ClinVar:

ClinVar aggregate classification (germline): Likely pathogenic (1 of 4 stars; one submission).

Conditions:
Neurofibromatosis, type 1 (NF1). Also called: Peripheral type neurofibromatosis; VON RECKLINGHAUSEN DISEASE; NEUROFIBROMATOSIS, TYPE I, SOMATIC; Neurofibromatosis, type I. Identifiers: Orphanet 636, MedGen C0027831, MONDO:0018975, OMIM 162200. Disease mechanism: loss of function.

Submission:

Labcorp Genetics (formerly Invitae), Labcorp
Classification: Likely pathogenic for Neurofibromatosis, type 1. Last evaluated: 2018-04-05. Review status: criteria provided, single submitter. Criteria: Invitae Variant Classification Sherloc (09022015). Collection method: clinical testing. Allele origin: germline.
Comment: In summary, the currently available evidence indicates that the variant is pathogenic, but additional data are needed to prove that conclusively. Therefore, this variant has been classified as Likely Pathogenic. Loss-of-function variants in NF1 are known to be pathogenic (PMID: 10712197, 23913538). This variant has not been reported in the literature in individuals with NF1-related disease. This variant results in a copy number gain of the genomic region encompassing exons 36-38 of the NF1 gene. While the exact position of this variant cannot be determined from this data, sub-genic copy number gains are generally in tandem (PMID: 25640679) and may result in an absent or disrupted protein product.

Literature cited by the submitters: PubMed 10712197; PubMed 23913538; PubMed 25640679.

NC_000017.10:g.(?_29652828)_(29657526_?)dup

Gene: NF1 (neurofibromin 1; plus strand). Cytogenetic location: 17q11.2.
Variant type: Duplication.
Identifiers: ClinVar variation 583635 (VCV000583635.3).